The following is an entry in ClinVar:

NM_000051.4(ATM):c.6485G>A (p.Ser2162Asn)

Genes: ATM (ATM serine/threonine kinase; plus strand), C11orf65 (chromosome 11 open reading frame 65; minus strand). Cytogenetic location: 11q22.3.
Variant type: single nucleotide variant.
Coding change: c.6485G>A on transcript NM_000051.4 (MANE Select); coding-DNA position 6485, G replaced by A.
Protein change: p.Ser2162Asn; replaces serine 2162 with asparagine.
Molecular consequence: missense variant. On other transcripts: intron variant (2).
Genome position (GRCh38, 1-based): chr11:108,321,333, G>A. VCF-style: chr11-108321333-G-A. GRCh37 (hg19) VCF-style: chr11-108192060-G-A.
Other names: c.6485G>A, p.Ser2162Asn (NM_001351834.2); c.641-12262C>T (NM_001330368.2); c.*39-12262C>T (NM_001351110.2); short protein forms S2162N.
Identifiers: ClinVar variation 1940974 (VCV001940974.4), dbSNP rs2136239409, ClinGen allele CA382553985.

ClinVar aggregate classification (germline): Uncertain significance (1 of 4 stars; one submission).

Conditions:
Ataxia-telangiectasia syndrome (AT). Also called: Ataxia-telangiectasia, complementation group D; AT, COMPLEMENTATION GROUP C; ATAXIA-TELANGIECTASIA, COMPLEMENTATION GROUP A; ATAXIA-TELANGIECTASIA, FRESNO VARIANT; Ataxia-telangiectasia, complementation group E; LOUIS-BAR SYNDROME. Identifiers: Orphanet 100, MedGen C0004135, MONDO:0008840, OMIM 208900.

Allele frequency attached by ClinVar (database versions not stated): gnomAD exomes below 0.00001.
gnomAD v4.1: 1 of 1,614,160 alleles (0.000062%); highest among the groups gnomAD compares: Non-Finnish European, 0.000085%; no homozygotes.

Submission:

Labcorp Genetics (formerly Invitae), Labcorp
Classification: Uncertain significance for Ataxia-telangiectasia syndrome. Last evaluated: 2024-01-31. Review status: criteria provided, single submitter. Criteria: Invitae Variant Classification Sherloc (09022015). Collection method: clinical testing. Allele origin: germline.
Comment: This sequence change replaces serine, which is neutral and polar, with asparagine, which is neutral and polar, at codon 2162 of the ATM protein (p.Ser2162Asn). This variant is not present in population databases (gnomAD no frequency). This variant has not been reported in the literature in individuals affected with ATM-related conditions. ClinVar contains an entry for this variant (Variation ID: 1940974). An algorithm developed to predict the effect of missense changes on protein structure and function (PolyPhen-2) suggests that this variant is likely to be tolerated. In summary, the available evidence is currently insufficient to determine the role of this variant in disease. Therefore, it has been classified as a Variant of Uncertain Significance.